The following is an entry in ClinVar:

ClinVar aggregate classification (germline): Benign/Likely benign. Review status: criteria provided, multiple submitters, no conflicts (2 of 4 stars). 5 submissions from 5 submitters: Benign (1); Likely benign (4). Last evaluated 2025-12-17.

Conditions:
CHARGE syndrome (CHARGE). Also called: Hittner Hirsch Kreh syndrome; Coloboma, heart anomaly, choanal atresia, retardation, genital and ear anomalies; CHARGE association; Hall-Hittner syndrome; CHARGE ASSOCIATION--COLOBOMA, HEART ANOMALY, CHOANAL ATRESIA, RETARDATION, GENITAL AND EAR ANOMALIES. Identifiers: Orphanet 138, MedGen C0265354, MONDO:0008965.
Inborn genetic diseases. Identifiers: MedGen C0950123, MeSH D030342.

Allele frequency attached by ClinVar (database versions not stated): gnomAD exomes 0.00002 and 0.00006; gnomAD 0.00006 and 0.00007; ExAC 0.00008; TOPMed 0.00008.
gnomAD v4.1: 37 of 1,549,408 alleles (0.0024%); highest among the groups gnomAD compares: Admixed American, 0.05%; no homozygotes.

Submissions (5):

Labcorp Genetics (formerly Invitae), Labcorp
Classification: Benign for CHARGE syndrome. Last evaluated: 2025-12-17. Review status: criteria provided, single submitter. Criteria: Invitae Variant Classification Sherloc (09022015). Collection method: clinical testing. Allele origin: germline.

Blueprint Genetics
Classification: Likely benign. Last evaluated: 2021-04-22. Review status: criteria provided, single submitter. Criteria: ACMG Guidelines, 2015. Collection method: clinical testing. Allele origin: germline.

GeneDx
Classification: Likely benign. Last evaluated: 2020-09-14. Review status: criteria provided, single submitter. Criteria: GeneDx Variant Classification Process June 2021. Collection method: clinical testing. Allele origin: germline. Affected: yes.
Comment: This variant is associated with the following publications: (PMID: 21158681)

Athena Diagnostics
Classification: Likely benign. Last evaluated: 2018-09-12. Review status: criteria provided, single submitter. Criteria: Athena Diagnostics Criteria. Collection method: clinical testing. Allele origin: germline.

Ambry Genetics
Classification: Likely benign for Inborn genetic diseases. Last evaluated: 2017-11-13. Review status: criteria provided, single submitter. Criteria: Ambry Variant Classification Scheme 2023. Collection method: clinical testing. Allele origin: germline.

NM_017780.4(CHD7):c.1672C>G (p.Pro558Ala)

Genes: CHD7 (chromodomain helicase DNA binding protein 7; plus strand), LOC126860403 (CDK7 strongly-dependent group 2 enhancer GRCh37_chr8:61693034-61694233; plus strand). Cytogenetic location: 8q12.2.
Variant type: single nucleotide variant.
Coding change: c.1672C>G on transcript NM_017780.4 (MANE Select); coding-DNA position 1672, C replaced by G.
Protein change: p.Pro558Ala; replaces proline 558 with alanine.
Molecular consequence: missense variant.
Genome position (GRCh38, 1-based): chr8:60,781,006, C>G. VCF-style: chr8-60781006-C-G. GRCh37 (hg19) VCF-style: chr8-61693565-C-G.
Other names: c.1672C>G, p.Pro558Ala (NM_001316690.1); short protein forms P558A.
Identifiers: ClinVar variation 570104 (VCV000570104.19), dbSNP rs746837682, ClinGen allele CA4759546.